The following is an entry in ClinVar:

NM_020911.2(PLXNA4):c.4904G>A (p.Arg1635His)

Gene: PLXNA4 (plexin A4; minus strand). Cytogenetic location: 7q32.3.
Variant type: single nucleotide variant.
Coding change: c.4904G>A on transcript NM_020911.2 (MANE Select); coding-DNA position 4904, G replaced by A.
Protein change: p.Arg1635His; replaces arginine 1635 with histidine.
Molecular consequence: missense variant.
Genome position (GRCh38, 1-based): chr7:132,146,661, C>T on the plus strand (G>A on the coding strand, the complement: PLXNA4 is on the minus strand). VCF-style: chr7-132146661-C-T. GRCh37 (hg19) VCF-style: chr7-131831420-C-T.
Other names: c.4904G>A, p.Arg1635His (NM_001393897.1); short protein forms R1635H.
Identifiers: ClinVar variation 4988274 (VCV004988274.1).
Genomic context (GRCh38, chr7:132,146,661, plus strand): 5'-ACTAGGTGCCACATCTTGACTCCACTCTCCAGGTCAGGAGTGATCATAGGTGTCCGTGAG[C>T]GGAGGCTGTCGGGGCTGCCCGTGTACCGGATCATGTTTTCTGCCAAGGCAAGGATCACCC-3'
Protein context (NP_065962.1, residues 1625-1645): IRYTGSPDSL[Arg1635His]SRTPMITPDL

ClinVar aggregate classification (germline): Uncertain significance (1 of 4 stars; one submission).

Conditions:
PLXNA4-related disorder. Also called: PLXNA4-related condition.

gnomAD v4.1: 18 of 1,614,176 alleles (0.0011%); highest among the groups gnomAD compares: East Asian, 0.0067%; no homozygotes.

Submission:

PreventionGenetics, part of Exact Sciences
Classification: Uncertain significance for PLXNA4-related condition. Last evaluated: 2026-07-13. Review status: criteria provided, single submitter. Criteria: ACMG Guidelines, 2015. Collection method: clinical testing. Allele origin: germline.
Comment: The PLXNA4 c.4904G>A variant is predicted to result in the amino acid substitution p.Arg1635His. To our knowledge, this variant has not been reported in the literature. This variant is reported in 0.0057% of alleles in individuals of Latino descent in gnomAD. At this time, the clinical significance of this variant is uncertain due to the absence of conclusive functional and genetic evidence.